The following is an entry in ClinVar:

ClinVar aggregate classification (germline): Likely pathogenic (1 of 4 stars; one submission).

Conditions:
Cystic fibrosis (CF). Also called: MUCOVISCIDOSIS. Identifiers: Orphanet 586, MedGen C0010674, MONDO:0009061, OMIM 219700. Disease mechanism: loss of function.

Submission:

Diagnostics Services (NGS), CSIR - Centre For Cellular And Molecular Biology
Classification: Likely pathogenic for Cystic fibrosis. Last evaluated: 2024-06-11. Review status: criteria provided, single submitter. Criteria: ACMG Guidelines, 2015. Collection method: clinical testing. Allele origin: germline. Affected: yes. Observed: 1 variant allele, 1 homozygote.
Comment: The c.1373G>A variant is not present in publicly available population databases like 1000 Genomes, EVS, gnomAD, ExAC, Indian Exome Database or our in-house exome database. It has not been reported to the clinical databases like ClinVar, Human Genome Mutation Database (HGMD) or OMIM. In silico pathogenicity prediction programs like SIFT, PolyPhen-2, MutationTaster2, CADD, Varsome, Franklin, InterVar etc predicted this variant to be likely deleterious. This variant is located in a mutational hotspot region of the gene and a different amino acid change in the same codon (c.1373G>T, p.Gly458Val) has been previously observed in the affected individuals, published in literature and reported to the databases as ‘pathogenic / likely pathogenic’ by multiple submitters.

Literature cited by the submitters: PubMed 36038301.

NM_000492.4(CFTR):c.1373G>A (p.Gly458Glu)

Genes: CFTR-AS1 (CFTR antisense RNA 1; minus strand), CFTR (CF transmembrane conductance regulator; plus strand). Cytogenetic location: 7q31.2.
Variant type: single nucleotide variant.
Coding change: c.1373G>A on transcript NM_000492.4 (MANE Select); coding-DNA position 1373, G replaced by A.
Protein change: p.Gly458Glu; replaces glycine 458 with glutamic acid.
Molecular consequence: missense variant.
Genome position (GRCh38, 1-based): chr7:117,548,804, G>A. VCF-style: chr7-117548804-G-A. GRCh37 (hg19) VCF-style: chr7-117188858-G-A.
Other names: short protein forms G458E.
Identifiers: ClinVar variation 3251984 (VCV003251984.1), dbSNP rs121909009.